The following is an entry in ClinVar:

ClinVar aggregate classification (germline): Uncertain significance (1 of 4 stars; one submission).

Conditions:
Primary ciliary dyskinesia. Also called: Ciliary dyskinesia. Identifiers: Orphanet 244, MedGen C0008780, MONDO:0016575, HP:0012265.

Allele frequency attached by ClinVar (database versions not stated): gnomAD exomes below 0.00001.
gnomAD v4.1: 5 of 1,613,246 alleles (0.00031%); highest among the groups gnomAD compares: East Asian, 0.0089%; no homozygotes.

Submission:

Labcorp Genetics (formerly Invitae), Labcorp
Classification: Uncertain significance for Primary ciliary dyskinesia. Last evaluated: 2023-10-18. Review status: criteria provided, single submitter. Criteria: Invitae Variant Classification Sherloc (09022015). Collection method: clinical testing. Allele origin: germline.
Comment: This sequence change affects codon 1658 of the DNAH11 mRNA. It is a 'silent' change, meaning that it does not change the encoded amino acid sequence of the DNAH11 protein. This variant is not present in population databases (gnomAD no frequency). This variant has not been reported in the literature in individuals affected with DNAH11-related conditions. Algorithms developed to predict the effect of sequence changes on RNA splicing suggest that this variant may disrupt the consensus splice site. In summary, the available evidence is currently insufficient to determine the role of this variant in disease. Therefore, it has been classified as a Variant of Uncertain Significance.

NM_001277115.2(DNAH11):c.4974C>T (p.Asp1658=)

Gene: DNAH11 (dynein axonemal heavy chain 11; plus strand). Cytogenetic location: 7p15.3.
Variant type: single nucleotide variant.
Coding change: c.4974C>T on transcript NM_001277115.2 (MANE Select); coding-DNA position 4974, C replaced by T.
Protein change: p.Asp1658=; no amino-acid change (aspartic acid 1658 retained).
Molecular consequence: synonymous variant.
Genome position (GRCh38, 1-based): chr7:21,655,861, C>T. VCF-style: chr7-21655861-C-T. GRCh37 (hg19) VCF-style: chr7-21695479-C-T.
Other names: c.4989C>T, p.Asp1663= (NM_003777.3).
Identifiers: ClinVar variation 2769911 (VCV002769911.3), dbSNP rs1781993614, ClinGen allele CA453962911.